The following is an entry in ClinVar:

ClinVar aggregate classification (germline): Likely benign. Review status: criteria provided, multiple submitters, no conflicts (2 of 4 stars). 2 submissions from 2 submitters: Likely benign (2). Last evaluated 2026-06-18.

Conditions:
PEX7-related disorder. Also called: PEX7-related condition; PEX7-related disorders. Identifiers: MedGen CN239409.
Peroxisome biogenesis disorder 9B. Also called: Refsum disease, adult, 2; PEX7-Related Refsum Disease; PEROXISOME BIOGENESIS DISORDER, PEX7-RELATED, ATYPICAL. Identifiers: Orphanet 773, MedGen C2749346, MONDO:0013945, OMIM 614879.

Allele frequency attached by ClinVar (database versions not stated): gnomAD exomes below 0.00001.
gnomAD v4.1: 2 of 1,612,630 alleles (0.00012%); highest among the groups gnomAD compares: East Asian, 0.0022%; no homozygotes.

Submissions (2):

PreventionGenetics, part of Exact Sciences
Classification: Likely benign for PEX7-related condition. Last evaluated: 2026-06-18. Review status: criteria provided, single submitter. Criteria: ACMG Guidelines, 2015. Collection method: clinical testing. Allele origin: germline.
Comment: This variant is classified as likely benign based on ACMG/AMP sequence variant interpretation guidelines (Richards et al. 2015 PMID: 25741868, with internal and published modifications).

Labcorp Genetics (formerly Invitae), Labcorp
Classification: Likely benign for Peroxisome biogenesis disorder 9B. Last evaluated: 2024-11-27. Review status: criteria provided, single submitter. Criteria: Invitae Variant Classification Sherloc (09022015). Collection method: clinical testing. Allele origin: germline.

NM_000288.4(PEX7):c.640C>T (p.Leu214=)

Gene: PEX7 (peroxisomal biogenesis factor 7; plus strand). Cytogenetic location: 6q23.3.
Variant type: single nucleotide variant.
Coding change: c.640C>T on transcript NM_000288.4 (MANE Select); coding-DNA position 640, C replaced by T.
Protein change: p.Leu214=; no amino-acid change (leucine 214 retained).
Molecular consequence: synonymous variant.
Genome position (GRCh38, 1-based): chr6:136,869,896, C>T. VCF-style: chr6-136869896-C-T. GRCh37 (hg19) VCF-style: chr6-137191034-C-T.
Identifiers: ClinVar variation 762824 (VCV000762824.11), dbSNP rs1582759870, ClinGen allele CA452227860.